The following is an entry in ClinVar:

NM_017617.5(NOTCH1):c.5536C>A (p.Gln1846Lys)

Gene: NOTCH1 (notch receptor 1; minus strand). Cytogenetic location: 9q34.3.
Variant type: single nucleotide variant.
Coding change: c.5536C>A on transcript NM_017617.5 (MANE Select); coding-DNA position 5536, C replaced by A.
Protein change: p.Gln1846Lys; replaces glutamine 1846 with lysine.
Molecular consequence: missense variant.
Genome position (GRCh38, 1-based): chr9:136,501,850, G>T on the plus strand (C>A on the coding strand, the complement: NOTCH1 is on the minus strand). VCF-style: chr9-136501850-G-T. GRCh37 (hg19) VCF-style: chr9-139396302-G-T.
Other names: short protein forms Q1846K.
Identifiers: ClinVar variation 1748166 (VCV001748166.3), dbSNP rs2133329001, ClinGen allele CA375639244.

ClinVar aggregate classification (germline): Uncertain significance (1 of 4 stars; one submission).

Conditions:
Familial thoracic aortic aneurysm and aortic dissection (TAAD). Also called: Thoracic aortic aneurysms and dissections. Identifiers: Orphanet 91387, MedGen C4707243, MONDO:0019625.

gnomAD v4.1: 7 of 1,612,638 alleles (0.00043%); highest among the groups gnomAD compares: Non-Finnish European, 0.00059%; no homozygotes.

Submission:

Ambry Genetics
Classification: Uncertain significance for Familial thoracic aortic aneurysm and aortic dissection. Last evaluated: 2024-08-24. Review status: criteria provided, single submitter. Criteria: Ambry Variant Classification Scheme 2023. Collection method: clinical testing. Allele origin: germline.
Comment: The p.Q1846K variant (also known as c.5536C>A), located in coding exon 30 of the NOTCH1 gene, results from a C to A substitution at nucleotide position 5536. The glutamine at codon 1846 is replaced by lysine, an amino acid with similar properties. This amino acid position is conserved. In addition, the in silico prediction for this alteration is inconclusive. Since supporting evidence is limited at this time, the clinical significance of this alteration remains unclear.